The following is an entry in ClinVar:

NM_000638.4(VTN):c.64+9G>T

Gene: VTN (vitronectin; minus strand). Cytogenetic location: 17q11.2.
Variant type: single nucleotide variant.
Coding change: c.64+9G>T on transcript NM_000638.4 (MANE Select); 9 bases into the intron after coding-DNA position 64, G replaced by T.
Molecular consequence: intron variant.
Genome position (GRCh38, 1-based): chr17:28,370,131, C>A on the plus strand (G>T on the coding strand, the complement: VTN is on the minus strand). VCF-style: chr17-28370131-C-A. GRCh37 (hg19) VCF-style: chr17-26697152-C-A.
Identifiers: ClinVar variation 3055071 (VCV003055071.2), dbSNP rs376564388, ClinGen allele CA8457767.

ClinVar aggregate classification (germline): Likely benign (0 of 4 stars; one submission).

Conditions:
VTN-related disorder. Also called: VTN-related condition.

Allele frequency attached by ClinVar (database versions not stated): ExAC 0.00010; gnomAD 0.00039; TOPMed 0.00042; ESP Exome Variant Server 0.00062.
gnomAD v4.1: 108 of 1,613,672 alleles (0.0067%); highest among the groups gnomAD compares: African/African-American, 0.14%; no homozygotes.

Submission:

PreventionGenetics, part of Exact Sciences
Classification: Likely benign for VTN-related condition. Last evaluated: 2023-05-30. Review status: no assertion criteria provided. Collection method: clinical testing. Allele origin: germline.
Comment: This variant is classified as likely benign based on ACMG/AMP sequence variant interpretation guidelines (Richards et al. 2015 PMID: 25741868, with internal and published modifications).